The following is an entry in ClinVar:

NM_000821.7(GGCX):c.1903C>G (p.Pro635Ala)

Gene: GGCX (gamma-glutamyl carboxylase; minus strand). Cytogenetic location: 2p11.2.
Variant type: single nucleotide variant.
Coding change: c.1903C>G on transcript NM_000821.7 (MANE Select); coding-DNA position 1903, C replaced by G.
Protein change: p.Pro635Ala; replaces proline 635 with alanine.
Molecular consequence: missense variant.
Genome position (GRCh38, 1-based): chr2:85,550,736, G>C on the plus strand (C>G on the coding strand, the complement: GGCX is on the minus strand). VCF-style: chr2-85550736-G-C. GRCh37 (hg19) VCF-style: chr2-85777859-G-C.
Other names: c.1732C>G, p.Pro578Ala (NM_001142269.4); short protein forms P578A, P635A.
Identifiers: ClinVar variation 1800659 (VCV001800659.2), dbSNP rs1441992926, ClinGen allele CA347483358.

ClinVar aggregate classification (germline): Uncertain significance. Review status: criteria provided, multiple submitters, no conflicts (2 of 4 stars). 2 submissions from 2 submitters: Uncertain significance (2). Last evaluated 2025-05-12.

Conditions:
Acute myeloid leukemia (AML). Also called: Acute myeloid leukemia, adult; AML adult; Acute non-lymphocytic leukemia; Acute granulocytic leukemia; Leukemia, acute myelogenous, somatic; Leukemia, acute myeloid, somatic. Identifiers: Orphanet 519, MedGen C0023467, MeSH D015470, MONDO:0018874, OMIM 601626, HP:0004808. Disease mechanism: Constitutively activated FLT3.

Allele frequency attached by ClinVar (database versions not stated): gnomAD exomes below 0.00001; gnomAD 0.00001.
gnomAD v4.1: 4 of 1,613,828 alleles (0.00025%); highest among the groups gnomAD compares: African/African-American, 0.004%; no homozygotes.

Submissions (2):

Johns Hopkins Genomics, Johns Hopkins University
Classification: Uncertain significance for Acute myeloid leukemia. Last evaluated: 2025-05-12. Review status: criteria provided, single submitter. Criteria: ACMG Guidelines, 2015. Collection method: clinical testing. Allele origin: germline.
Comment: This GGCX variant (rs1441992926) is rare in a large population dataset (gnomAD v4.1.0: 4/1613828 total alleles; 0.0002%; no homozygotes) and has been reported in ClinVar (Variation ID: 1800659). It has not been reported in the literature in individuals with pulmonary arterial hypertension, to our knowledge. Of three bioinformatics tools queried, two predict the substitution would be damaging (SIFT: 0.01, PolyPhen2HumVar: 0.996), while another predicts that it would be tolerated (AlphaMissense: 0.144 ). The proline residue at this position is strongly conserved across the vertebrate species assessed. Bioinformatic analysis predicts that this missense variant would not affect normal exon 14 splicing, although this has not been confirmed experimentally to our knowledge. Due to limited evidence, we consider the clinical significance of c.1903C>G to be uncertain at this time.

GeneDx
Classification: Uncertain significance. Last evaluated: 2022-05-16. Review status: criteria provided, single submitter. Criteria: GeneDx Variant Classification Process June 2021. Collection method: clinical testing. Allele origin: germline. Affected: yes.
Comment: Not observed at significant frequency in large population cohorts (gnomAD); In silico analysis supports that this missense variant does not alter protein structure/function; Has not been previously published as pathogenic or benign to our knowledge

Literature cited by the submitters: PubMed 31727138 (cited by Johns Hopkins Genomics, Johns Hopkins University).